The following is an entry in ClinVar:

NM_001354604.2(MITF):c.859A>G (p.Asn287Asp)

Gene: MITF (melanocyte inducing transcription factor; plus strand). Cytogenetic location: 3p13.
Variant type: single nucleotide variant.
Coding change: c.859A>G on transcript NM_001354604.2 (MANE Select); coding-DNA position 859, A replaced by G.
Protein change: p.Asn287Asp; replaces asparagine 287 with aspartic acid.
Molecular consequence: missense variant.
Genome position (GRCh38, 1-based): chr3:69,949,147, A>G. VCF-style: chr3-69949147-A-G. GRCh37 (hg19) VCF-style: chr3-69998298-A-G.
Other names: c.538A>G, p.Asn180Asp (NM_000248.4, NM_198158.3); c.703A>G, p.Asn235Asp (NM_001184967.2, NM_001354608.2); c.856A>G, p.Asn286Asp (NM_001354605.2, NM_001354606.2, NM_006722.3); c.808A>G, p.Asn270Asp (NM_001354607.2); c.859A>G, p.Asn287Asp (NM_198159.3); c.811A>G, p.Asn271Asp (NM_198177.3); c.370A>G, p.Asn124Asp (NM_198178.3); short protein forms N180D, N124D, N271D, N286D, N235D, N270D, N287D.
Identifiers: ClinVar variation 2936708 (VCV002936708.3), dbSNP rs779202378, ClinGen allele CA2490488.

ClinVar aggregate classification (germline): Uncertain significance. Review status: criteria provided, multiple submitters, no conflicts (2 of 4 stars). 2 submissions from 2 submitters: Uncertain significance (2). Last evaluated 2025-03-14.

Conditions:
Coloboma, osteopetrosis, microphthalmia, macrocephaly, albinism, and deafness (COMMAD). Also called: COMMAD syndrome. Identifiers: Orphanet 603494, MedGen C4310625, MONDO:0015014, OMIM 617306.
Tietz syndrome (TADS). Also called: ALBINISM-DEAFNESS OF TIETZ; HYPOPIGMENTATION/DEAFNESS OF TIETZ; TIETZ ALBINISM-DEAFNESS SYNDROME. Identifiers: Orphanet 42665, MedGen C0391816, MONDO:0007077, OMIM 103500.
Waardenburg syndrome type 2A (WS2A). Also called: WAARDENBURG SYNDROME WITHOUT DYSTOPIA CANTHORUM. Identifiers: Orphanet 3440, MedGen C1860339, MONDO:0008671, OMIM 193510.
Melanoma, cutaneous malignant, susceptibility to, 8. Also called: MELANOMA AND RENAL CELL CARCINOMA, SUSCEPTIBILITY TO; Cutaneous malignant melanoma 8. Identifiers: Orphanet 293822, MedGen C3152204, MONDO:0013759, OMIM 614456.

Allele frequency attached by ClinVar (database versions not stated): ExAC 0.00001; gnomAD 0.00001; TOPMed 0.00001; gnomAD exomes 0.00002.
gnomAD v4.1: 35 of 1,613,360 alleles (0.0022%); highest among the groups gnomAD compares: Non-Finnish European, 0.0028%; no homozygotes.

Submissions (2):

Labcorp Genetics (formerly Invitae), Labcorp
Classification: Uncertain significance for Melanoma, cutaneous malignant, susceptibility to, 8; Waardenburg syndrome type 2A; Tietz syndrome. Last evaluated: 2025-03-14. Review status: criteria provided, single submitter. Criteria: Invitae Variant Classification Sherloc (09022015). Collection method: clinical testing. Allele origin: germline.
Comment: This sequence change replaces asparagine, which is neutral and polar, with aspartic acid, which is acidic and polar, at codon 180 of the MITF protein (p.Asn180Asp). This variant is present in population databases (rs779202378, gnomAD 0.004%). This variant has not been reported in the literature in individuals affected with MITF-related conditions. ClinVar contains an entry for this variant (Variation ID: 2936708). Invitae Evidence Modeling of protein sequence and biophysical properties (such as structural, functional, and spatial information, amino acid conservation, physicochemical variation, residue mobility, and thermodynamic stability) indicates that this missense variant is not expected to disrupt MITF protein function with a negative predictive value of 80%. In summary, the available evidence is currently insufficient to determine the role of this variant in disease. Therefore, it has been classified as a Variant of Uncertain Significance.

Department of Pathology and Laboratory Medicine, Sinai Health System
Classification: Uncertain significance for Tietz syndrome; Waardenburg syndrome type 2A; Melanoma, cutaneous malignant, susceptibility to, 8; Coloboma, osteopetrosis, microphthalmia, macrocephaly, albinism, and deafness. Last evaluated: 2024-10-10. Review status: criteria provided, single submitter. Criteria: ACMG Guidelines, 2015. Collection method: clinical testing. Allele origin: germline.